The following is an entry in ClinVar:

NM_000642.3(AGL):c.667del (p.Ala223fs)

Gene: AGL (amylo-alpha-1,6-glucosidase and 4-alpha-glucanotransferase; plus strand). Cytogenetic location: 1p21.2.
Variant type: Deletion.
Coding change: c.667del on transcript NM_000642.3 (MANE Select); coding-DNA position 667, one base deleted (G; older notation c.667delG).
Protein change: p.Ala223fs; shifts the reading frame from alanine 223.
Molecular consequence: frameshift variant.
Genome position (GRCh38, 1-based): chr1:99,870,402, G deleted. VCF-style (leftmost placement, unchanged base first): chr1-99870401-TG-T. GRCh37 (hg19) VCF-style: chr1-100335957-TG-T.
Other names: c.667delG, p.Ala223Leufs (NM_000028.3, NM_000643.3, NM_000644.3 and 3 more transcripts); c.619delG, p.Ala207Leufs (NM_000646.3); c.463delG, p.Ala155Leufs (NM_001425328.1, NM_001425329.1); c.289delG, p.Ala97Leufs (NM_001425332.1); short protein forms A207fs, A223fs.
Identifiers: ClinVar variation 1725344 (VCV001725344.2), dbSNP rs2524558279, ClinGen allele CA2580063380.

ClinVar aggregate classification (germline): Likely pathogenic (1 of 4 stars; one submission).

Conditions:
Glycogen storage disease type III (GSD3). Also called: FORBES DISEASE; Cori disease. Identifiers: Orphanet 366, MedGen C0017922, MONDO:0009291, OMIM 232400.

Submission:

Myriad Genetics, Inc.
Classification: Likely pathogenic for Glycogen storage disease type III. Last evaluated: 2022-03-17. Review status: criteria provided, single submitter. Criteria: Myriad Women's Health Autosomal Recessive and X-Linked Classification Criteria (2021). Collection method: clinical testing. Allele origin: unknown.
Comment: NM_000642.2(AGL):c.667delG(A223Lfs*17) is expected to be pathogenic in the context of glycogen storage disease type III. This variant is predicted to lead to an abnormal or absent protein product due to the creation of a premature termination codon in AGL, a gene where loss-of-function variants are known to be pathogenic. Please note: this variant was assessed in the context of healthy population screening.